The following is an entry in ClinVar:

ClinVar aggregate classification (germline): Likely benign. Review status: criteria provided, multiple submitters, no conflicts (2 of 4 stars). 2 submissions from 2 submitters: Likely benign (2). Last evaluated 2024-10-23.

Conditions:
Wilms tumor 1 (WT1). Also called: Wilms tumor, somatic. Identifiers: Orphanet 654, MedGen CN033288, MONDO:0008679, OMIM 194070.

Allele frequency attached by ClinVar (database versions not stated): gnomAD exomes 0.00001.
gnomAD v4.1: 10 of 1,206,069 alleles (0.00083%); highest among the groups gnomAD compares: Non-Finnish European, 0.0011%; no homozygotes.

Submissions (2):

Labcorp Genetics (formerly Invitae), Labcorp
Classification: Likely benign for Wilms tumor 1. Last evaluated: 2024-10-23. Review status: criteria provided, single submitter. Criteria: Invitae Variant Classification Sherloc (09022015). Collection method: clinical testing. Allele origin: germline.

CeGaT Center for Human Genetics Tuebingen
Classification: Likely benign. Last evaluated: 2024-01-01. Review status: criteria provided, single submitter. Criteria: CeGaT Center For Human Genetics Tuebingen Variant Classification Criteria Version 2. Collection method: clinical testing. Allele origin: germline. Affected: yes. Observed: 1 variant allele.
Comment: GPC3: PM2:Supporting, BP4, BP7

NM_004484.4(GPC3):c.249A>G (p.Leu83=)

Gene: GPC3 (glypican 3; minus strand). Cytogenetic location: Xq26.2.
Variant type: single nucleotide variant.
Coding change: c.249A>G on transcript NM_004484.4 (MANE Select); coding-DNA position 249, A replaced by G.
Protein change: p.Leu83=; no amino-acid change (leucine 83 retained).
Molecular consequence: synonymous variant. On other transcripts: intron variant (1).
Genome position (GRCh38, 1-based): chrX:133,953,138, T>C on the plus strand (A>G on the coding strand, the complement: GPC3 is on the minus strand). VCF-style: chrX-133953138-T-C. GRCh37 (hg19) VCF-style: chrX-133087165-T-C.
Other names: c.249A>G, p.Leu83= (NM_001164617.2, NM_001164618.2); c.175+32137A>G (NM_001164619.2).
Identifiers: ClinVar variation 476653 (VCV000476653.31), dbSNP rs755510528, ClinGen allele CA10520864.